The following is an entry in ClinVar:

NM_006258.4(PRKG1):c.479-9C>T

Gene: PRKG1 (protein kinase cGMP-dependent 1; plus strand). Cytogenetic location: 10q21.1.
Variant type: single nucleotide variant.
Coding change: c.479-9C>T on transcript NM_006258.4 (MANE Select); 9 bases into the intron before coding-DNA position 479, C replaced by T.
Molecular consequence: intron variant.
Genome position (GRCh38, 1-based): chr10:51,467,714, C>T. VCF-style: chr10-51467714-C-T. GRCh37 (hg19) VCF-style: chr10-53227474-C-T.
Other names: p.?; c.479-9C>T (LRG_1135t1); c.434-9C>T (LRG_1135t2, NM_001098512.3).
Identifiers: ClinVar variation 381780 (VCV000381780.31), dbSNP rs45615337, ClinGen allele CA5503163.

ClinVar aggregate classification (germline): Benign. Review status: criteria provided, multiple submitters, no conflicts (2 of 4 stars). 8 submissions from 8 submitters: Benign (8). Last evaluated 2026-02-04.

Conditions:
Aortic aneurysm, familial thoracic 8 (AAT8). Identifiers: MedGen C3809513, MONDO:0014187, OMIM 615436.
Familial thoracic aortic aneurysm and aortic dissection (TAAD). Also called: Thoracic aortic aneurysms and dissections. Identifiers: Orphanet 91387, MedGen C4707243, MONDO:0019625.

Allele frequency attached by ClinVar (database versions not stated): gnomAD exomes 0.04089; ExAC 0.04455; 1000 Genomes Project 0.07268; 1000 Genomes Project 30x 0.07745; gnomAD 0.07983 and 0.08494; TOPMed 0.08515; ESP Exome Variant Server 0.09142.
gnomAD v4.1: 69,046 of 1,596,146 alleles (4.3%); highest among the groups gnomAD compares: African/African-American, 20%; 2,563 homozygotes.

Submissions (8):

Labcorp Genetics (formerly Invitae), Labcorp
Classification: Benign for Aortic aneurysm, familial thoracic 8. Last evaluated: 2026-02-04. Review status: criteria provided, single submitter. Criteria: Invitae Variant Classification Sherloc (09022015). Collection method: clinical testing. Allele origin: germline.

ARUP Laboratories, Molecular Genetics and Genomics, ARUP Laboratories
Classification: Benign for Aortic aneurysm, familial thoracic 8. Last evaluated: 2025-07-17. Review status: criteria provided, single submitter. Criteria: ARUP Molecular Germline Variant Investigation Process 2024. Collection method: clinical testing. Allele origin: germline.

Molecular Diagnostic Laboratory for Inherited Cardiovascular Disease, Montreal Heart Institute
Classification: Benign. Last evaluated: 2025-04-09. Review status: criteria provided, single submitter. Criteria: ACMG Guidelines, 2015. Collection method: clinical testing. Allele origin: germline. Affected: no.

Women's Health and Genetics/Laboratory Corporation of America, LabCorp
Classification: Benign. Last evaluated: 2023-07-21. Review status: criteria provided, single submitter. Criteria: LabCorp Variant Classification Summary - May 2015. Collection method: clinical testing. Allele origin: germline.

CHEO Genetics Diagnostic Laboratory, Children's Hospital of Eastern Ontario
Classification: Benign for Familial thoracic aortic aneurysm and aortic dissection. Last evaluated: 2023-01-03. Review status: criteria provided, single submitter. Criteria: ACMG Guidelines, 2015. Collection method: clinical testing. Allele origin: germline.

Mayo Clinic Laboratories, Mayo Clinic
Classification: Benign. Last evaluated: 2017-11-15. Review status: criteria provided, single submitter. Criteria: ACMG Guidelines, 2015. Collection method: clinical testing. Allele origin: germline. Observed: 182 variant alleles.

GeneDx
Classification: Benign. Last evaluated: 2016-09-28. Review status: criteria provided, single submitter. Criteria: GeneDx Variant Classification (06012015). Collection method: clinical testing. Allele origin: germline. Affected: yes.
Comment: This variant is considered likely benign or benign based on one or more of the following criteria: it is a conservative change, it occurs at a poorly conserved position in the protein, it is predicted to be benign by multiple in silico algorithms, and/or has population frequency not consistent with disease.

Breakthrough Genomics
Classification: Benign. Review status: criteria provided, single submitter. Criteria: ACMG Guidelines, 2015. Collection method: not provided. Allele origin: germline. Inheritance: Autosomal dominant inheritance. Affected: yes.